The following is an entry in ClinVar:

ClinVar aggregate classification (germline): Pathogenic (1 of 4 stars; one submission).

Conditions:
Primary ciliary dyskinesia 3. Identifiers: Orphanet 244, MedGen C1837618, MONDO:0012085, OMIM 608644.

Submission:

Myriad Genetics, Inc.
Classification: Pathogenic for Primary ciliary dyskinesia 3. Last evaluated: 2026-02-05. Review status: criteria provided, single submitter. Criteria: Myriad Autosomal Dominant, Autosomal Recessive and X-Linked Classification Criteria (2023). Collection method: clinical testing. Allele origin: unknown.
Comment: NM_001369.2(DNAH5):c.5383G>T(E1795*) is expected to be pathogenic in the context of primary ciliary dyskinesia, DNAH5-related. This variant is predicted to lead to an abnormal or absent protein product due to the creation of a premature termination codon in DNAH5, a gene where loss-of-function variants are known to be pathogenic. Please note: this variant was assessed in the context of healthy population screening.

NM_001369.3(DNAH5):c.5383G>T (p.Glu1795Ter)

Gene: DNAH5 (dynein axonemal heavy chain 5; minus strand). Cytogenetic location: 5p15.2.
Variant type: single nucleotide variant.
Coding change: c.5383G>T on transcript NM_001369.3 (MANE Select); coding-DNA position 5383, G replaced by T.
Protein change: p.Glu1795Ter; replaces glutamic acid 1795 with a stop codon.
Molecular consequence: nonsense.
Genome position (GRCh38, 1-based): chr5:13,841,793, C>A on the plus strand (G>T on the coding strand, the complement: DNAH5 is on the minus strand). VCF-style: chr5-13841793-C-A. GRCh37 (hg19) VCF-style: chr5-13841902-C-A.
Other names: short protein forms E1795*.
Identifiers: ClinVar variation 5015516 (VCV005015516.1).